The following is an entry in ClinVar:

ClinVar aggregate classification (germline): Uncertain significance (1 of 4 stars; one submission).

Submission:

GeneDx
Classification: Uncertain significance. Last evaluated: 2025-05-13. Review status: criteria provided, single submitter. Criteria: GeneDx Variant Classification Process June 2021. Collection method: clinical testing. Allele origin: germline. Affected: yes.
Comment: Not observed at significant frequency in large population cohorts (gnomAD); In silico analysis suggests that this missense variant does not alter protein structure/function; Has not been previously published as pathogenic or benign to our knowledge

NM_001127222.2(CACNA1A):c.5956A>C (p.Met1986Leu)

Gene: CACNA1A (calcium voltage-gated channel subunit alpha1 A; minus strand). Cytogenetic location: 19p13.13.
Variant type: single nucleotide variant.
Coding change: c.5956A>C on transcript NM_001127222.2 (MANE Select); coding-DNA position 5956, A replaced by C.
Protein change: p.Met1986Leu; replaces methionine 1986 with leucine.
Molecular consequence: missense variant.
Genome position (GRCh38, 1-based): chr19:13,212,725, T>G on the plus strand (A>C on the coding strand, the complement: CACNA1A is on the minus strand). VCF-style: chr19-13212725-T-G. GRCh37 (hg19) VCF-style: chr19-13323539-T-G.
Other names: c.5974A>C, p.Met1992Leu (NM_000068.4, NM_023035.3); c.5959A>C, p.Met1987Leu (NM_001127221.2); c.5965A>C, p.Met1989Leu (NM_001174080.2); short protein forms M1986L, M1987L, M1989L, M1992L.
Identifiers: ClinVar variation 4529686 (VCV004529686.1).